The following is an entry in ClinVar:

ClinVar aggregate classification (germline): Likely benign. Review status: criteria provided, multiple submitters, no conflicts (2 of 4 stars). 2 submissions from 2 submitters: Likely benign (2). Last evaluated 2025-05-27.

Conditions:
Dilated cardiomyopathy 1O (CMD1O). Also called: CARDIOMYOPATHY, DILATED, WITH VENTRICULAR TACHYCARDIA. Identifiers: Orphanet 154, MedGen C1837839, MONDO:0012062, OMIM 608569.

Allele frequency attached by ClinVar (database versions not stated): gnomAD exomes below 0.00001 and 0.00001.
gnomAD v4.1: 3 of 1,612,688 alleles (0.00019%); highest among the groups gnomAD compares: Non-Finnish European, 0.00025%; no homozygotes.

Submissions (2):

Labcorp Genetics (formerly Invitae), Labcorp
Classification: Likely benign for Dilated cardiomyopathy 1O. Last evaluated: 2025-05-27. Review status: criteria provided, single submitter. Criteria: Invitae Variant Classification Sherloc (09022015). Collection method: clinical testing. Allele origin: germline.

GeneDx
Classification: Likely benign. Last evaluated: 2018-05-16. Review status: criteria provided, single submitter. Criteria: GeneDx Variant Classification (06012015). Collection method: clinical testing. Allele origin: germline. Affected: yes.
Comment: This variant is considered likely benign or benign based on one or more of the following criteria: it is a conservative change, it occurs at a poorly conserved position in the protein, it is predicted to be benign by multiple in silico algorithms, and/or has population frequency not consistent with disease.

NM_020297.4(ABCC9):c.1071T>A (p.Leu357=)

Gene: ABCC9 (ATP binding cassette subfamily C member 9; minus strand). Cytogenetic location: 12p12.1.
Variant type: single nucleotide variant.
Coding change: c.1071T>A on transcript NM_020297.4 (MANE Select); coding-DNA position 1071, T replaced by A.
Protein change: p.Leu357=; no amino-acid change (leucine 357 retained).
Molecular consequence: synonymous variant.
Genome position (GRCh38, 1-based): chr12:21,910,919, A>T on the plus strand (T>A on the coding strand, the complement: ABCC9 is on the minus strand). VCF-style: chr12-21910919-A-T. GRCh37 (hg19) VCF-style: chr12-22063853-A-T.
Other names: c.1071T>A, p.Leu357= (NM_001377273.1, NM_005691.4); c.207T>A, p.Leu69= (NM_001377274.1).
Identifiers: ClinVar variation 668359 (VCV000668359.2), dbSNP rs1438141024, ClinGen allele CA478870650.